The following is an entry in ClinVar:

NM_001040716.2(PC):c.2953del (p.Leu985fs)

Gene: PC (pyruvate carboxylase; minus strand). Cytogenetic location: 11q13.2.
Variant type: Deletion.
Coding change: c.2953del on transcript NM_001040716.2 (MANE Select); coding-DNA position 2953, one base deleted (C; older notation c.2953delC).
Protein change: p.Leu985fs; shifts the reading frame from leucine 985.
Molecular consequence: frameshift variant.
Genome position (GRCh38, 1-based): chr11:66,849,805, G deleted on the plus strand (C on the coding strand, the reverse complement: PC is on the minus strand); the first of 4 consecutive G bases (chr11:66,849,805-66,849,808); deleting any one gives the same sequence. VCF-style (leftmost placement, unchanged base first): chr11-66849804-AG-A. GRCh37 (hg19) VCF-style: chr11-66617275-AG-A.
Other names: c.2953del, p.Leu985fs (NM_000920.4, NM_022172.3); short protein forms L985fs.
Identifiers: ClinVar variation 1068973 (VCV001068973.7), dbSNP rs2135790424, ClinGen allele CA2499221214.

ClinVar aggregate classification (germline): Pathogenic (1 of 4 stars; one submission).

Conditions:
Pyruvate carboxylase deficiency. Also called: LEIGH NECROTIZING ENCEPHALOPATHY DUE TO PYRUVATE CARBOXYLASE DEFICIENCY; LEIGH SYNDROME DUE TO PYRUVATE CARBOXYLASE DEFICIENCY; PC DEFICIENCY; ATAXIA WITH LACTIC ACIDOSIS II; Pyruvate Carboxylase Deficiency Disease. Identifiers: Orphanet 3008, MedGen C0034341, MONDO:0009949, OMIM 266150.

Submission:

Labcorp Genetics (formerly Invitae), Labcorp
Classification: Pathogenic for Pyruvate carboxylase deficiency. Last evaluated: 2020-09-13. Review status: criteria provided, single submitter. Criteria: Invitae Variant Classification Sherloc (09022015). Collection method: clinical testing. Allele origin: germline.
Comment: For these reasons, this variant has been classified as Pathogenic. Loss-of-function variants in PC are known to be pathogenic (PMID: 12112657, 19306334). This variant has not been reported in the literature in individuals with PC-related conditions. This variant is not present in population databases (ExAC no frequency). This sequence change creates a premature translational stop signal (p.Leu985Trpfs*11) in the PC gene. It is expected to result in an absent or disrupted protein product.

Literature cited by the submitters: PubMed 12112657; PubMed 19306334.